The following is an entry in ClinVar:

ClinVar aggregate classification (germline): Uncertain significance. Review status: criteria provided, multiple submitters, no conflicts (2 of 4 stars). 4 submissions from 4 submitters: Uncertain significance (4). Last evaluated 2026-01-06.

Conditions:
NOTCH2-related disorder. Also called: NOTCH2-related condition.
Alagille syndrome due to a NOTCH2 point mutation. Also called: Alagille syndrome 2. Identifiers: Orphanet 261629, Orphanet 52, MedGen C1857761, MONDO:0012439, OMIM 610205.
Hajdu-Cheney syndrome (HJCYS). Also called: SERPENTINE FIBULA-POLYCYSTIC KIDNEY SYNDROME; Acroosteolysis dominant type; ACROOSTEOLYSIS WITH OSTEOPOROSIS AND CHANGES IN SKULL AND MANDIBLE. Identifiers: Orphanet 955, MedGen C0917715, MONDO:0007057, OMIM 102500.

Allele frequency attached by ClinVar (database versions not stated): gnomAD 0.00001; TOPMed 0.00001.
gnomAD v4.1: 1 of 1,607,710 alleles (0.000062%); highest among the groups gnomAD compares: Non-Finnish European, 0.000085%; no homozygotes.

Submissions (4):

PreventionGenetics, part of Exact Sciences
Classification: Uncertain significance for NOTCH2-related condition. Last evaluated: 2026-01-06. Review status: criteria provided, single submitter. Criteria: ACMG Guidelines, 2015. Collection method: clinical testing. Allele origin: germline.
Comment: The NOTCH2 c.3908C>G variant is predicted to result in the amino acid substitution p.Thr1303Ser. To our knowledge, this variant has not been reported in the literature or in a large population database, indicating this variant is rare. At this time, the clinical significance of this variant is uncertain due to the absence of conclusive functional and genetic evidence.

Mayo Clinic Laboratories, Mayo Clinic
Classification: Uncertain significance. Last evaluated: 2024-09-20. Review status: criteria provided, single submitter. Criteria: ACMG Guidelines, 2015. Collection method: clinical testing. Allele origin: germline. Observed: 2 variant alleles.
Comment: BP4, PM2

Fulgent Genetics
Classification: Uncertain significance for Hajdu-Cheney syndrome; Alagille syndrome due to a NOTCH2 point mutation. Last evaluated: 2022-03-18. Review status: criteria provided, single submitter. Criteria: ACMG Guidelines, 2015. Collection method: clinical testing. Allele origin: unknown.

Eurofins Ntd Llc (ga)
Classification: Uncertain significance. Last evaluated: 2017-05-25. Review status: criteria provided, single submitter. Criteria: EGL Classification Definitions 2015. Collection method: clinical testing. Allele origin: germline. Observed: 1 variant allele, 1 heterozygote.

NM_024408.4(NOTCH2):c.3908C>G (p.Thr1303Ser)

Gene: NOTCH2 (notch receptor 2; minus strand). Cytogenetic location: 1p12.
Variant type: single nucleotide variant.
Coding change: c.3908C>G on transcript NM_024408.4 (MANE Select); coding-DNA position 3908, C replaced by G.
Protein change: p.Thr1303Ser; replaces threonine 1303 with serine.
Molecular consequence: missense variant.
Genome position (GRCh38, 1-based): chr1:119,926,596, G>C on the plus strand (C>G on the coding strand, the complement: NOTCH2 is on the minus strand). VCF-style: chr1-119926596-G-C. GRCh37 (hg19) VCF-style: chr1-120469219-G-C.
Other names: p.Thr1303Ser; c.3908C>G (NM_024408.3); short protein forms T1303S.
Identifiers: ClinVar variation 502271 (VCV000502271.8), dbSNP rs1359085444, ClinGen allele CA341892236.